The following is an entry in ClinVar:

NM_020223.4(FAM20C):c.969C>G (p.Phe323Leu)

Gene: FAM20C (FAM20C golgi associated secretory pathway kinase; plus strand). Cytogenetic location: 7p22.3.
Variant type: single nucleotide variant.
Coding change: c.969C>G on transcript NM_020223.4 (MANE Select); coding-DNA position 969, C replaced by G.
Protein change: p.Phe323Leu; replaces phenylalanine 323 with leucine.
Molecular consequence: missense variant.
Genome position (GRCh38, 1-based): chr7:248,327, C>G. VCF-style: chr7-248327-C-G. GRCh37 (hg19) VCF-style: chr7-288293-C-G.
Other names: c.969C>G (NM_020223.2); short protein forms F323L.
Identifiers: ClinVar variation 1442659 (VCV001442659.7), dbSNP rs961109722, ClinGen allele CA152273649.

ClinVar aggregate classification (germline): Uncertain significance. Review status: criteria provided, multiple submitters, no conflicts (2 of 4 stars). 2 submissions from 2 submitters: Uncertain significance (2). Last evaluated 2024-04-06.

Conditions:
Inborn genetic diseases. Identifiers: MedGen C0950123, MeSH D030342.

Allele frequency attached by ClinVar (database versions not stated): gnomAD exomes 0.00001 and 0.00002; TOPMed 0.00006; gnomAD 0.00009.
gnomAD v4.1: 21 of 1,536,744 alleles (0.0014%); highest among the groups gnomAD compares: African/African-American, 0.023%; no homozygotes.

Submissions (2):

Ambry Genetics
Classification: Uncertain significance for Inborn genetic diseases. Last evaluated: 2024-04-06. Review status: criteria provided, single submitter. Criteria: Ambry Variant Classification Scheme 2023. Collection method: clinical testing. Allele origin: germline.

Labcorp Genetics (formerly Invitae), Labcorp
Classification: Uncertain significance. Last evaluated: 2021-06-17. Review status: criteria provided, single submitter. Criteria: Invitae Variant Classification Sherloc (09022015). Collection method: clinical testing. Allele origin: germline.
Comment: In summary, the available evidence is currently insufficient to determine the role of this variant in disease. Therefore, it has been classified as a Variant of Uncertain Significance. Algorithms developed to predict the effect of missense changes on protein structure and function are either unavailable or do not agree on the potential impact of this missense change (SIFT: "Deleterious"; PolyPhen-2: "Benign"; Align-GVGD: "Class C0"). This variant has not been reported in the literature in individuals with FAM20C-related conditions. This variant is not present in population databases (ExAC no frequency). This sequence change replaces phenylalanine with leucine at codon 323 of the FAM20C protein (p.Phe323Leu). The phenylalanine residue is highly conserved and there is a small physicochemical difference between phenylalanine and leucine.